The following is an entry in ClinVar:

NM_000868.4(HTR2C):c.-1C>T

Gene: HTR2C (5-hydroxytryptamine receptor 2C; plus strand). Cytogenetic location: Xq23.
Variant type: single nucleotide variant.
Coding change: c.-1C>T on transcript NM_000868.4 (MANE Select); 1 bases upstream of the start codon, C replaced by T.
Molecular consequence: 5 prime UTR variant.
Genome position (GRCh38, 1-based): chrX:114,726,936, C>T. VCF-style: chrX-114726936-C-T. GRCh37 (hg19) VCF-style: chrX-113961345-C-T.
Other names: c.-1C>T (NM_001256760.3, NM_001256761.3).
Identifiers: ClinVar variation 4990283 (VCV004990283.1).

ClinVar aggregate classification (germline): Likely benign (1 of 4 stars; one submission).

Conditions:
HTR2C-related disorder. Also called: HTR2C-related condition.

Submission:

PreventionGenetics, part of Exact Sciences
Classification: Likely benign for HTR2C-related condition. Last evaluated: 2026-08-14. Review status: criteria provided, single submitter. Criteria: ACMG Guidelines, 2015. Collection method: clinical testing. Allele origin: germline.
Comment: This variant is classified as likely benign based on ACMG/AMP sequence variant interpretation guidelines (Richards et al. 2015 PMID: 25741868, with internal and published modifications).